The following is an entry in ClinVar:

ClinVar aggregate classification (germline): Uncertain significance (1 of 4 stars; one submission).

Allele frequency attached by ClinVar (database versions not stated): gnomAD exomes below 0.00001.
gnomAD v4.1: 1 of 1,211,414 alleles (0.000083%); highest among the groups gnomAD compares: Non-Finnish European, 0.00011%; no homozygotes.

Submission:

CeGaT Center for Human Genetics Tuebingen
Classification: Uncertain significance. Last evaluated: 2022-05-01. Review status: criteria provided, single submitter. Criteria: CeGaT Center For Human Genetics Tuebingen Variant Classification Criteria Version 2. Collection method: clinical testing. Allele origin: germline. Affected: yes. Observed: 1 variant allele.
Comment: DMD: PM2, BP1

NM_004006.3(DMD):c.8830G>A (p.Asp2944Asn)

Gene: DMD (dystrophin; minus strand). Cytogenetic location: Xp21.2.
Variant type: single nucleotide variant.
Coding change: c.8830G>A on transcript NM_004006.3 (MANE Select); coding-DNA position 8830, G replaced by A.
Protein change: p.Asp2944Asn; replaces aspartic acid 2944 with asparagine.
Molecular consequence: missense variant.
Genome position (GRCh38, 1-based): chrX:31,478,213, C>T on the plus strand (G>A on the coding strand, the complement: DMD is on the minus strand). VCF-style: chrX-31478213-C-T. GRCh37 (hg19) VCF-style: chrX-31496330-C-T.
Other names: c.8806G>A, p.Asp2936Asn (NM_000109.4); c.8818G>A, p.Asp2940Asn (NM_004009.3); c.8461G>A, p.Asp2821Asn (NM_004010.3); c.4807G>A, p.Asp1603Asn (NM_004011.4); c.4798G>A, p.Asp1600Asn (NM_004012.4); c.1450G>A, p.Asp484Asn (NM_004013.3, NM_004020.4, NM_004021.3 and 2 more transcripts); c.643G>A, p.Asp215Asn (NM_004014.3); short protein forms D1600N, D1603N, D215N, D2821N, D2936N, D2940N, D2944N, D484N.
Identifiers: ClinVar variation 2660242 (VCV002660242.24), dbSNP rs2525295623, ClinGen allele CA412654062.